The following is an entry in ClinVar:

ClinVar aggregate classification (germline): Uncertain significance. Review status: criteria provided, multiple submitters, no conflicts (2 of 4 stars). 3 submissions from 3 submitters: Uncertain significance (3). Last evaluated 2026-06-12.

Conditions:
Nemaline myopathy 2 (NEM2). Also called: Nemaline myopathy 2, autosomal recessive. Identifiers: MedGen C1850569, MONDO:0009725, OMIM 256030.
Inborn genetic diseases. Identifiers: MedGen C0950123, MeSH D030342.

Allele frequency attached by ClinVar (database versions not stated): gnomAD 0.00001.
gnomAD v4.1: 4 of 1,613,726 alleles (0.00025%); highest among the groups gnomAD compares: Admixed American, 0.0017%; no homozygotes.

Submissions (3):

GeneDx
Classification: Uncertain significance. Last evaluated: 2026-06-12. Review status: criteria provided, single submitter. Criteria: GeneDx Variant Classification Process June 2021. Collection method: clinical testing. Allele origin: germline.
Comment: Not observed at significant frequency in large population cohorts (gnomAD); In silico analysis supports that this missense variant has a deleterious effect on protein structure/function; Has not been previously published as pathogenic or benign to our knowledge

Ambry Genetics
Classification: Uncertain significance for Inborn genetic diseases. Last evaluated: 2024-01-17. Review status: criteria provided, single submitter. Criteria: Ambry Variant Classification Scheme 2023. Collection method: clinical testing. Allele origin: germline.

Labcorp Genetics (formerly Invitae), Labcorp
Classification: Uncertain significance for Nemaline myopathy 2. Last evaluated: 2022-07-12. Review status: criteria provided, single submitter. Criteria: Invitae Variant Classification Sherloc (09022015). Collection method: clinical testing. Allele origin: germline.
Comment: This sequence change replaces arginine, which is basic and polar, with leucine, which is neutral and non-polar, at codon 2556 of the NEB protein (p.Arg2556Leu). This variant is present in population databases (no rsID available, gnomAD 0.003%). This variant has not been reported in the literature in individuals affected with NEB-related conditions. Algorithms developed to predict the effect of missense changes on protein structure and function are either unavailable or do not agree on the potential impact of this missense change (SIFT: "Deleterious"; PolyPhen-2: "Not Available"; Align-GVGD: "Class C0"). In summary, the available evidence is currently insufficient to determine the role of this variant in disease. Therefore, it has been classified as a Variant of Uncertain Significance.

NM_001164508.2(NEB):c.7667G>T (p.Arg2556Leu)

Gene: NEB (nebulin; minus strand). Cytogenetic location: 2q23.3.
Variant type: single nucleotide variant.
Coding change: c.7667G>T on transcript NM_001164508.2 (MANE Select); coding-DNA position 7667, G replaced by T.
Protein change: p.Arg2556Leu; replaces arginine 2556 with leucine.
Molecular consequence: missense variant.
Genome position (GRCh38, 1-based): chr2:151,644,107, C>A on the plus strand (G>T on the coding strand, the complement: NEB is on the minus strand). VCF-style: chr2-151644107-C-A. GRCh37 (hg19) VCF-style: chr2-152500621-C-A.
Other names: c.7667G>T, p.Arg2556Leu (NM_001164507.2, NM_001271208.2, NM_004543.5); c.7667G>T (NM_004543.4); short protein forms R2556L.
Identifiers: ClinVar variation 2169221 (VCV002169221.4), dbSNP rs764471883, ClinGen allele CA348782774.